The following is an entry in ClinVar:

NM_000642.3(AGL):c.4163C>T (p.Ala1388Val)

Gene: AGL (amylo-alpha-1,6-glucosidase and 4-alpha-glucanotransferase; plus strand). Cytogenetic location: 1p21.2.
Variant type: single nucleotide variant.
Coding change: c.4163C>T on transcript NM_000642.3 (MANE Select); coding-DNA position 4163, C replaced by T.
Protein change: p.Ala1388Val; replaces alanine 1388 with valine.
Molecular consequence: missense variant.
Genome position (GRCh38, 1-based): chr1:99,915,390, C>T. VCF-style: chr1-99915390-C-T. GRCh37 (hg19) VCF-style: chr1-100380946-C-T.
Other names: c.4163C>T, p.Ala1388Val (NM_000028.3, NM_000643.3, NM_000644.3 and 1 more transcripts); c.4115C>T, p.Ala1372Val (NM_000646.3); c.4142C>T, p.Ala1381Val (NM_001425326.1); c.3962C>T, p.Ala1321Val (NM_001425327.1); c.3959C>T, p.Ala1320Val (NM_001425328.1); c.3824C>T, p.Ala1275Val (NM_001425329.1); c.3785C>T, p.Ala1262Val (NM_001425332.1); short protein forms A1372V, A1388V, A1262V, A1275V, A1320V, A1321V, A1381V.
Identifiers: ClinVar variation 1060788 (VCV001060788.9), dbSNP rs752877022, ClinGen allele CA967338.
Genomic context (GRCh38, chr1:99,915,390, plus strand): 5'-TAGGAACTAATTCTTCTGTGATCTTAAAAATTTGTATATTTGTTTTTGGCATTCACTAGG[C>T]CCCTGAGCTCTTTACTACAGAAAAAGCATGGAAAGCTTTGGAGATTGCAGAAAAAAAATT-3'
Protein context (NP_000633.2, residues 1378-1398): RPNFTIAMVV[Ala1388Val]PELFTTEKAW

ClinVar aggregate classification (germline): Uncertain significance. Review status: criteria provided, multiple submitters, no conflicts (2 of 4 stars). 4 submissions from 4 submitters: Uncertain significance (4). Last evaluated 2023-11-04.

Conditions:
Glycogen storage disease type III (GSD3). Also called: Cori disease; FORBES DISEASE. Identifiers: Orphanet 366, MedGen C0017922, MONDO:0009291, OMIM 232400.
Inborn genetic diseases. Identifiers: MedGen C0950123, MeSH D030342.

Allele frequency attached by ClinVar (database versions not stated): gnomAD exomes below 0.00001; ExAC 0.00001; gnomAD 0.00001; TOPMed 0.00001.
gnomAD v4.1: 3 of 1,612,848 alleles (0.00019%); highest among the groups gnomAD compares: Admixed American, 0.0017%; no homozygotes.

Submissions (4):

Blueprint Genetics
Classification: Uncertain significance. Last evaluated: 2023-11-04. Review status: criteria provided, single submitter. Criteria: ACMG Guidelines, 2015. Collection method: clinical testing. Allele origin: germline.

Genome-Nilou Lab
Classification: Uncertain significance for Glycogen storage disease type III. Last evaluated: 2023-04-11. Review status: criteria provided, single submitter. Criteria: ACMG Guidelines, 2015. Collection method: clinical testing. Allele origin: germline. Affected: no.

Ambry Genetics
Classification: Uncertain significance for Inborn genetic diseases. Last evaluated: 2023-02-08. Review status: criteria provided, single submitter. Criteria: Ambry Variant Classification Scheme 2023. Collection method: clinical testing. Allele origin: germline.

Labcorp Genetics (formerly Invitae), Labcorp
Classification: Uncertain significance for Glycogen storage disease type III. Last evaluated: 2021-08-24. Review status: criteria provided, single submitter. Criteria: Invitae Variant Classification Sherloc (09022015). Collection method: clinical testing. Allele origin: germline.
Comment: This sequence change replaces alanine with valine at codon 1388 of the AGL protein (p.Ala1388Val). The alanine residue is highly conserved and there is a small physicochemical difference between alanine and valine. This variant is present in population databases (rs752877022, ExAC 0.002%). This variant has not been reported in the literature in individuals affected with AGL-related conditions. Algorithms developed to predict the effect of missense changes on protein structure and function (SIFT, PolyPhen-2, Align-GVGD) all suggest that this variant is likely to be disruptive. In summary, the available evidence is currently insufficient to determine the role of this variant in disease. Therefore, it has been classified as a Variant of Uncertain Significance.